The following is an entry in ClinVar:

ClinVar aggregate classification (germline): Uncertain significance (1 of 4 stars; one submission).

Conditions:
DPM3-congenital disorder of glycosylation (MDDGC15). Also called: DPM3-CDG; MUSCULAR DYSTROPHY-DYSTROGLYCANOPATHY (LIMB-GIRDLE), TYPE C, 15; CDG Io; CDG1(DPM3). Identifiers: Orphanet 263494, MedGen C2752007, MONDO:0013049, OMIM 612937.

gnomAD v4.1: 1 of 1,614,014 alleles (0.000062%); highest among the groups gnomAD compares: Admixed American, 0.0017%; no homozygotes.

Submission:

Labcorp Genetics (formerly Invitae), Labcorp
Classification: Uncertain significance for DPM3-congenital disorder of glycosylation. Last evaluated: 2022-02-28. Review status: criteria provided, single submitter. Criteria: Invitae Variant Classification Sherloc (09022015). Collection method: clinical testing. Allele origin: germline.
Comment: In summary, the available evidence is currently insufficient to determine the role of this variant in disease. Therefore, it has been classified as a Variant of Uncertain Significance. Algorithms developed to predict the effect of missense changes on protein structure and function are either unavailable or do not agree on the potential impact of this missense change (SIFT: "Deleterious"; PolyPhen-2: "Benign"; Align-GVGD: "Class C0"). This variant has not been reported in the literature in individuals affected with DPM3-related conditions. This variant is not present in population databases (gnomAD no frequency). This sequence change replaces arginine, which is basic and polar, with histidine, which is basic and polar, at codon 72 of the DPM3 protein (p.Arg72His).

NM_153741.2(DPM3):c.215G>A (p.Arg72His)

Gene: DPM3 (dolichyl-phosphate mannosyltransferase subunit 3, regulatory; minus strand). Cytogenetic location: 1q22.
Variant type: single nucleotide variant.
Coding change: c.215G>A on transcript NM_153741.2 (MANE Select); coding-DNA position 215, G replaced by A.
Protein change: p.Arg72His; replaces arginine 72 with histidine.
Molecular consequence: missense variant.
Genome position (GRCh38, 1-based): chr1:155,140,026, C>T on the plus strand (G>A on the coding strand, the complement: DPM3 is on the minus strand). VCF-style: chr1-155140026-C-T. GRCh37 (hg19) VCF-style: chr1-155112502-C-T.
Other names: c.305G>A, p.Arg102His (NM_018973.4); short protein forms R102H, R72H.
Identifiers: ClinVar variation 2104655 (VCV002104655.4), dbSNP rs2526668021, ClinGen allele CA342662912.